The following is an entry in ClinVar:

ClinVar aggregate classification (germline): Conflicting classifications of pathogenicity. Review status: criteria provided, conflicting classifications (1 of 4 stars). 2 submissions from 2 submitters: Uncertain significance (1); Likely benign (1). Last evaluated 2025-12-04.

Conditions:
Polycystic kidney disease, adult type (PKD1). Also called: Polycystic Kidney, Autosomal Dominant; POLYCYSTIC KIDNEY DISEASE, ADULT, TYPE I; Polycystic Kidney Disease 1, Autosomal Dominant; Polycystic kidney disease 1; Polycystic kidney disease 1, severe; POLYCYSTIC KIDNEY DISEASE 1 WITH OR WITHOUT POLYCYSTIC LIVER DISEASE. Identifiers: MedGen C3149841, MONDO:0008263, OMIM 173900.

gnomAD v4.1: 23 of 1,610,822 alleles (0.0014%); highest among the groups gnomAD compares: Middle Eastern, 0.021%; no homozygotes.

Submissions (2):

Dasa
Classification: Uncertain significance for Polycystic kidney disease, adult type. Last evaluated: 2025-12-04. Review status: criteria provided, single submitter. Criteria: DASA Assertion Criteria. Collection method: clinical testing. Allele origin: germline.
Comment: NM_001009944.3(PKD1):c.8949-6G>T is a splice-region variant. This variant is rare in population databases. Computational prediction algorithms are consistent with a benign effect. The currently available literature and clinical evidence are not sufficient to establish a definitive association between this variant and the reported condition. Therefore, this variant is classified as a variant of uncertain significance.

Blueprint Genetics
Classification: Likely benign. Last evaluated: 2024-03-13. Review status: criteria provided, single submitter. Criteria: ACMG Guidelines, 2015. Collection method: clinical testing. Allele origin: germline.

NM_001009944.3(PKD1):c.8949-6G>T

Gene: PKD1 (polycystin 1, transient receptor potential channel interacting; minus strand). Cytogenetic location: 16p13.3.
Variant type: single nucleotide variant.
Coding change: c.8949-6G>T on transcript NM_001009944.3 (MANE Select); 6 bases into the intron before coding-DNA position 8949, G replaced by T.
Molecular consequence: intron variant.
Genome position (GRCh38, 1-based): chr16:2,102,639, C>A on the plus strand (G>T on the coding strand, the complement: PKD1 is on the minus strand). VCF-style: chr16-2102639-C-A. GRCh37 (hg19) VCF-style: chr16-2152640-C-A.
Other names: c.8949-6G>T (NM_000296.4).
Identifiers: ClinVar variation 4883295 (VCV004883295.3).